The following is an entry in ClinVar:

NM_033056.4(PCDH15):c.5245CCT[5] (p.Pro1752_Ile1753insPro)

Gene: PCDH15 (protocadherin related 15; minus strand). Cytogenetic location: 10q21.1.
Variant type: Microsatellite.
Coding change: c.5245CCT[5] on transcript NM_033056.4 (MANE Plus Clinical); five copies in a row of the 3-base unit CCT starting at c.5245; the reference has four copies in a row; one copy, 3 bases duplicated.
Protein change: p.Pro1752_Ile1753insPro.
Molecular consequence: inframe insertion. On other transcripts: intron variant (8).
Genome position (GRCh38, 1-based): chr10:53,822,470-53,822,472, AGG duplicated on the plus strand (CCT on the coding strand, the reverse complement: PCDH15 is on the minus strand); duplicating any 3 consecutive bases within chr10:53,822,470-53,822,481 gives the same sequence; the position shown is the placement nearest the transcript's 3' end. VCF-style (leftmost placement, unchanged base first): chr10-53822469-T-TAGG. GRCh37 (hg19) VCF-style: chr10-55582229-T-TAGG.
Other names: c.5266CCT[5], p.Pro1759_Ile1760insPro (NM_001142763.2); c.5251CCT[5], p.Pro1754_Ile1755insPro (NM_001142764.2); c.5038CCT[5], p.Pro1683_Ile1684insPro (NM_001142765.2); c.5236CCT[5], p.Pro1749_Ile1750insPro (NM_001142766.2); c.5125CCT[5], p.Pro1712_Ile1713insPro (NM_001142767.2); c.5185CCT[5], p.Pro1732_Ile1733insPro (NM_001142768.2); c.5176CCT[5], p.Pro1729_Ile1730insPro (NM_001142773.2); c.5179CCT[5], p.Pro1730_Ile1731insPro (NM_001354404.2); and 7 more.
Identifiers: ClinVar variation 1933677 (VCV001933677.2), dbSNP rs397517462, ClinGen allele CA2580615477.

ClinVar aggregate classification (germline): Uncertain significance (1 of 4 stars; one submission).

Submission:

Labcorp Genetics (formerly Invitae), Labcorp
Classification: Uncertain significance. Last evaluated: 2022-08-23. Review status: criteria provided, single submitter. Criteria: Invitae Variant Classification Sherloc (09022015). Collection method: clinical testing. Allele origin: germline.
Comment: This variant, c.5254_5256dup, results in the insertion of 1 amino acid(s) of the PCDH15 protein (p.Pro1752dup), but otherwise preserves the integrity of the reading frame. This variant is not present in population databases (gnomAD no frequency). This variant has not been reported in the literature in individuals affected with PCDH15-related conditions. In summary, the available evidence is currently insufficient to determine the role of this variant in disease. Therefore, it has been classified as a Variant of Uncertain Significance.